The following is an entry in ClinVar:

NM_004281.4(BAG3):c.457C>T (p.Gln153Ter)

Gene: BAG3 (BAG cochaperone 3; plus strand). Cytogenetic location: 10q26.11.
Variant type: single nucleotide variant.
Coding change: c.457C>T on transcript NM_004281.4 (MANE Select); coding-DNA position 457, C replaced by T.
Protein change: p.Gln153Ter; replaces glutamine 153 with a stop codon.
Molecular consequence: nonsense.
Genome position (GRCh38, 1-based): chr10:119,670,127, C>T. VCF-style: chr10-119670127-C-T. GRCh37 (hg19) VCF-style: chr10-121429639-C-T.
Other names: short protein forms Q153*.
Identifiers: ClinVar variation 1324072 (VCV001324072.43), dbSNP rs1474660052, ClinGen allele CA378295135.
Genomic context (GRCh38, chr10:119,670,127, plus strand): 5'-AGGTCCCAGTCACCTCTGCGGGGCATGCCAGAAACCACTCAGCCAGATAAACAGTGTGGA[C>T]AGGTGGCAGCGGCGGCGGCAGCCCAGCCCCCAGCCTCCCACGGACCTGAGGTAAGGAGAG-3'

ClinVar aggregate classification (germline): Pathogenic (1 of 4 stars; one submission).

Conditions:
Myofibrillar myopathy 6. Identifiers: Orphanet 199340, MedGen C2751831, MONDO:0013061, OMIM 612954.
Dilated cardiomyopathy 1HH (CMD1HH). Identifiers: Orphanet 154, MedGen C3151293, MONDO:0013479, OMIM 613881.

Submission:

Labcorp Genetics (formerly Invitae), Labcorp
Classification: Pathogenic for Dilated cardiomyopathy 1HH; Myofibrillar myopathy 6. Last evaluated: 2020-11-15. Review status: criteria provided, single submitter. Criteria: Invitae Variant Classification Sherloc (09022015). Collection method: clinical testing. Allele origin: germline.
Comment: This variant is not present in population databases (ExAC no frequency). For these reasons, this variant has been classified as Pathogenic. This variant has not been reported in the literature in individuals with BAG3-related conditions. This sequence change creates a premature translational stop signal (p.Gln153*) in the BAG3 gene. It is expected to result in an absent or disrupted protein product. Loss-of-function variants in BAG3 are known to be pathogenic (PMID: 21353195, 25008357).

Literature cited by the submitters: PubMed 21353195; PubMed 25008357.